The following is an entry in ClinVar:

NM_001394062.1(MACF1):c.2009G>A (p.Arg670Gln)

Gene: MACF1 (microtubule actin crosslinking factor 1; plus strand). Cytogenetic location: 1p34.3.
Variant type: single nucleotide variant.
Coding change: c.2009G>A on transcript NM_001394062.1 (MANE Select); coding-DNA position 2009, G replaced by A.
Protein change: p.Arg670Gln; replaces arginine 670 with glutamine.
Molecular consequence: missense variant.
Genome position (GRCh38, 1-based): chr1:39,293,474, G>A. VCF-style: chr1-39293474-G-A. GRCh37 (hg19) VCF-style: chr1-39759146-G-A.
Other names: c.2024G>A, p.Arg675Gln (NM_012090.5); short protein forms R670Q, R675Q.
Identifiers: ClinVar variation 2416853 (VCV002416853.6), dbSNP rs753574553, ClinGen allele CA779597.

ClinVar aggregate classification (germline): Uncertain significance (1 of 4 stars; one submission).

Allele frequency attached by ClinVar (database versions not stated): TOPMed below 0.00001; gnomAD 0.00001; gnomAD exomes 0.00001; ExAC 0.00002.
gnomAD v4.1: 10 of 1,611,370 alleles (0.00062%); highest among the groups gnomAD compares: South Asian, 0.0033%; no homozygotes.

Submission:

Labcorp Genetics (formerly Invitae), Labcorp
Classification: Uncertain significance. Last evaluated: 2022-03-31. Review status: criteria provided, single submitter. Criteria: Invitae Variant Classification Sherloc (09022015). Collection method: clinical testing. Allele origin: germline.
Comment: In summary, the available evidence is currently insufficient to determine the role of this variant in disease. Therefore, it has been classified as a Variant of Uncertain Significance. Algorithms developed to predict the effect of missense changes on protein structure and function are either unavailable or do not agree on the potential impact of this missense change (SIFT: "Deleterious"; PolyPhen-2: "Possibly Damaging"; Align-GVGD: "Class C0"). This variant has not been reported in the literature in individuals affected with MACF1-related conditions. This variant is present in population databases (rs753574553, gnomAD 0.01%). This sequence change replaces arginine, which is basic and polar, with glutamine, which is neutral and polar, at codon 675 of the MACF1 protein (p.Arg675Gln).